The following is an entry in ClinVar:

ClinVar aggregate classification (germline): Likely benign (1 of 4 stars; one submission).

Submission:

CeGaT Center for Human Genetics Tuebingen
Classification: Likely benign. Last evaluated: 2026-06-01. Review status: criteria provided, single submitter. Criteria: CeGaT Center For Human Genetics Tuebingen Variant Classification Criteria Version 2. Collection method: clinical testing. Allele origin: germline. Affected: yes. Observed: 2 variant alleles.
Comment: MEGF10: PM2:Supporting, BP4, BP7

NM_001256545.2(MEGF10):c.3321C>A (p.Ile1107=)

Gene: MEGF10 (multiple EGF like domains 10; plus strand). Cytogenetic location: 5q23.2.
Variant type: single nucleotide variant.
Coding change: c.3321C>A on transcript NM_001256545.2 (MANE Select); coding-DNA position 3321, C replaced by A.
Protein change: p.Ile1107=; no amino-acid change (isoleucine 1107 retained).
Molecular consequence: synonymous variant.
Genome position (GRCh38, 1-based): chr5:127,457,216, C>A. VCF-style: chr5-127457216-C-A. GRCh37 (hg19) VCF-style: chr5-126792908-C-A.
Other names: c.3321C>A, p.Ile1107= (NM_032446.3).
Identifiers: ClinVar variation 2655671 (VCV002655671.24), dbSNP rs2127049310, ClinGen allele CA446289243.